The following is an entry in ClinVar:

NM_198578.4(LRRK2):c.3626A>G (p.Gln1209Arg)

Gene: LRRK2 (leucine rich repeat kinase 2; plus strand). Cytogenetic location: 12q12.
Variant type: single nucleotide variant.
Coding change: c.3626A>G on transcript NM_198578.4 (MANE Select); coding-DNA position 3626, A replaced by G.
Protein change: p.Gln1209Arg; replaces glutamine 1209 with arginine.
Molecular consequence: missense variant.
Genome position (GRCh38, 1-based): chr12:40,303,983, A>G. VCF-style: chr12-40303983-A-G. GRCh37 (hg19) VCF-style: chr12-40697785-A-G.
Other names: short protein forms Q1209R.
Identifiers: ClinVar variation 1733368 (VCV001733368.3), dbSNP rs2499780962, ClinGen allele CA384416596.
Genomic context (GRCh38, chr12:40,303,983, plus strand): 5'-ATGTCTTTTCTGTGTATTGTTTTAGCTTGCGGTCTTTAGATATGAGCAGCAATGATATTC[A>G]GTACCTACCAGGTCCCGCACACTGGAAATCTTTGAACTTAAGGGAACTCTTATTTAGCCA-3'
Protein context (NP_940980.4, residues 1199-1219): RSLDMSSNDI[Gln1209Arg]YLPGPAHWKS

ClinVar aggregate classification (germline): Uncertain significance (1 of 4 stars; one submission).

Conditions:
Inborn genetic diseases. Identifiers: MedGen C0950123, MeSH D030342.

Allele frequency attached by ClinVar (database versions not stated): gnomAD exomes below 0.00001.
gnomAD v4.1: 4 of 1,613,770 alleles (0.00025%); highest among the groups gnomAD compares: South Asian, 0.0044%; no homozygotes.

Submission:

Ambry Genetics
Classification: Uncertain significance for Inborn genetic diseases. Last evaluated: 2024-06-07. Review status: criteria provided, single submitter. Criteria: Ambry Variant Classification Scheme 2023. Collection method: clinical testing. Allele origin: germline.
Comment: The p.Q1209R variant (also known as c.3626A>G), located in coding exon 27 of the LRRK2 gene, results from an A to G substitution at nucleotide position 3626. The glutamine at codon 1209 is replaced by arginine, an amino acid with highly similar properties. This amino acid position is conserved. In addition, this alteration is predicted to be tolerated by in silico analysis. Since supporting evidence is limited at this time, the clinical significance of this alteration remains unclear.